The following is an entry in ClinVar:

NM_000059.4(BRCA2):c.956del (p.Asn319fs)

Gene: BRCA2 (BRCA2 DNA repair associated; plus strand). Cytogenetic location: 13q13.1.
Variant type: Deletion.
Coding change: c.956del on transcript NM_000059.4 (MANE Select); coding-DNA position 956, one base deleted (A; older notation c.956delA).
Protein change: p.Asn319fs; shifts the reading frame from asparagine 319.
Molecular consequence: frameshift variant.
Genome position (GRCh38, 1-based): chr13:32,332,434, A deleted; the last of 6 consecutive A bases (chr13:32,332,429-32,332,434); deleting any one gives the same sequence. VCF-style (leftmost placement, unchanged base first): chr13-32332428-CA-C. GRCh37 (hg19) VCF-style: chr13-32906565-CA-C.
Other names: 1184delA; short protein forms N319fs.
Identifiers: ClinVar variation 267167 (VCV000267167.15), dbSNP rs80359770, ClinGen allele CA10589062.
Genomic context (GRCh38, chr13:32,332,428, plus strand): 5'-AAACAGTTGTAGATACCTCTGAAGAAGATAGTTTTTCATTATGTTTTTCTAAATGTAGAA[CA>C]AAAAATCTACAAAAAGTAAGAACTAGCAAGACTAGGAAAAAAATTTTCCATGAAGCAAAC-3'

ClinVar aggregate classification (germline): Pathogenic. Review status: reviewed by expert panel (3 of 4 stars). 3 submissions from 3 submitters: Pathogenic (1). 2 of the submissions do not count toward it. Last evaluated 2016-10-18.

Conditions:
Breast-ovarian cancer, familial, susceptibility to, 2 (BROVCA2). Also called: BRCA2 Hereditary Breast and Ovarian Cancer. Identifiers: Orphanet 145, MedGen C2675520, MONDO:0012933, OMIM 612555. Disease mechanism: loss of function.
Hereditary breast ovarian cancer syndrome. Also called: BRCA1- and BRCA2-Associated Hereditary Breast and Ovarian Cancer; Hereditary breast and ovarian cancer; Breast and ovarian cancer; Hereditary breast and/or ovarian cancer syndrome; Hereditary breast and ovarian cancer syndrome; Hereditary breast and ovarian cancer syndrome (HBOC). Identifiers: Orphanet 145, MedGen C0677776, MeSH D061325, MONDO:0003582. Disease mechanism: loss of function.

Submissions (3):

Evidence-based Network for the Interpretation of Germline Mutant Alleles (ENIGMA)
Classification: Pathogenic for Breast-ovarian cancer, familial, susceptibility to, 2. Last evaluated: 2016-10-18. Review status: reviewed by expert panel. Criteria: ENIGMA BRCA1/2 Classification Criteria (2015). Collection method: curation. Allele origin: germline.
Comment: Variant allele predicted to encode a truncated non-functional protein.

Labcorp Genetics (formerly Invitae), Labcorp
Classification: Pathogenic for Hereditary breast ovarian cancer syndrome. Last evaluated: 2019-07-31. Review status: criteria provided, single submitter. Criteria: Invitae Variant Classification Sherloc (09022015). Collection method: clinical testing. Allele origin: germline. Not counted in ClinVar's aggregate classification.
Comment: This sequence change creates a premature translational stop signal (p.Asn319Ilefs*5) in the BRCA2 gene. It is expected to result in an absent or disrupted protein product. This variant is not present in population databases (ExAC no frequency). This variant has been observed in in a family affected with breast and/or ovarian cancer (PMID: 24916970). ClinVar contains an entry for this variant (Variation ID: 267167). Loss-of-function variants in BRCA2 are known to be pathogenic (PMID: 20104584). For these reasons, this variant has been classified as Pathogenic.

Consortium of Investigators of Modifiers of BRCA1/2 (CIMBA), c/o University of Cambridge
Classification: Pathogenic for Breast-ovarian cancer, familial, susceptibility to, 2. Last evaluated: 2015-10-02. Review status: criteria provided, single submitter. Criteria: CIMBA Mutation Classification guidelines May 2016. Collection method: clinical testing. Allele origin: germline. Not counted in ClinVar's aggregate classification.

Literature cited by the submitters: PubMed 24916970 (cited by Labcorp Genetics (formerly Invitae), Labcorp); PubMed 20104584 (cited by Labcorp Genetics (formerly Invitae), Labcorp).